The following is an entry in ClinVar:

NM_000416.3(IFNGR1):c.-56T>C

Gene: IFNGR1 (interferon gamma receptor 1; minus strand). Cytogenetic location: 6q23.3.
Variant type: single nucleotide variant.
Coding change: c.-56T>C on transcript NM_000416.3 (MANE Select); 56 bases upstream of the start codon, T replaced by C.
Molecular consequence: 5 prime UTR variant.
Genome position (GRCh38, 1-based): chr6:137,219,383, A>G on the plus strand (T>C on the coding strand, the complement: IFNGR1 is on the minus strand). VCF-style: chr6-137219383-A-G. GRCh37 (hg19) VCF-style: chr6-137540520-A-G.
Other names: -56C-T.
Identifiers: ClinVar variation 355565 (VCV000355565.21), dbSNP rs2234711, ClinGen allele CA10626121.

ClinVar aggregate classification (germline): Benign. Review status: criteria provided, multiple submitters, no conflicts (2 of 4 stars). 6 submissions from 4 submitters: Benign (3). 3 of the submissions do not count toward it. Last evaluated 2026-01-26.

Conditions:
Immunodeficiency 27A (IMD27A). Also called: IMMUNODEFICIENCY 27A, MYCOBACTERIOSIS, AUTOSOMAL RECESSIVE; IFNGR1 DEFICIENCY, AUTOSOMAL RECESSIVE. Identifiers: Orphanet 319569, Orphanet 99898, MedGen C4011949, MONDO:0008856, OMIM 209950.
Hepatitis B virus, susceptibility to. Also called: HBV, SUSCEPTIBILITY TO. Identifiers: MedGen C1864880, MONDO:0012488, OMIM 610424.
Disseminated atypical mycobacterial infection. Identifiers: MedGen C0694566.
Helicobacter pylori infection, susceptibility to. Identifiers: MedGen C1838332, MONDO:0010853, OMIM 600263.
Mycobacterium tuberculosis, protection against. Identifiers: MedGen C1969665.

Allele frequency attached by ClinVar (database versions not stated): gnomAD exomes 0.40571; ESP Exome Variant Server 0.42444; gnomAD 0.42896 and 0.43546; TOPMed 0.43479; 1000 Genomes Project 30x 0.50141; 1000 Genomes Project 0.50240.
gnomAD v4.1: 640,114 of 1,561,786 alleles (41%); highest among the groups gnomAD compares: South Asian, 61%; 134,898 homozygotes.

Submissions (6):

Labcorp Genetics (formerly Invitae), Labcorp
Classification: Benign for Disseminated atypical mycobacterial infection. Last evaluated: 2026-01-26. Review status: criteria provided, single submitter. Criteria: Invitae Variant Classification Sherloc (09022015). Collection method: clinical testing. Allele origin: germline.

Unidad de Genómica Garrahan, Hospital de Pediatría Garrahan
Classification: Benign. Last evaluated: 2024-01-24. Review status: criteria provided, single submitter. Criteria: ACMG Guidelines, 2015. Collection method: clinical testing. Allele origin: germline. Affected: no. Observed: 56 variant alleles.
Comment: This variant is classified as Benign based on local population frequency. This variant was detected in 64% of patients studied by a panel of primary immunodeficiencies. Number of patients: 56. Only high quality variants are reported.

Illumina Laboratory Services, Illumina
Classification: Benign for Immunodeficiency 27A. Last evaluated: 2018-03-06. Review status: criteria provided, single submitter. Criteria: ICSL Variant Classification Criteria 13 December 2019. Collection method: clinical testing. Allele origin: germline.
Comment: This variant was observed in the ICSL laboratory as part of a predisposition screen in an ostensibly healthy population. It had not been previously curated by ICSL or reported in the Human Gene Mutation Database (HGMD: prior to June 1st, 2018), and was therefore a candidate for classification through an automated scoring system. Utilizing variant allele frequency, disease prevalence and penetrance estimates, and inheritance mode, an automated score was calculated to assess if this variant is too frequent to cause the disease. Based on the score and internal cut-off values, a variant classified as benign is not then subjected to further curation. The score for this variant resulted in a classification of benign for this disease.

OMIM
Classification: risk factor for HELICOBACTER PYLORI INFECTION, SUSCEPTIBILITY TO. Last evaluated: 2009-06-01. Review status: no assertion criteria provided. Collection method: literature only. Allele origin: germline. Not counted in ClinVar's aggregate classification.

OMIM
Classification: protective for MYCOBACTERIUM TUBERCULOSIS, PROTECTION AGAINST. Last evaluated: 2009-06-01. Review status: no assertion criteria provided. Collection method: literature only. Allele origin: germline. Not counted in ClinVar's aggregate classification.

OMIM
Classification: risk factor for HEPATITIS B VIRUS, SUSCEPTIBILITY TO. Last evaluated: 2009-06-01. Review status: no assertion criteria provided. Collection method: literature only. Allele origin: germline. Not counted in ClinVar's aggregate classification.

Literature cited by the submitters: PubMed 12516030 (cited by OMIM); PubMed 16690980 (cited by OMIM); PubMed 19488747 (cited by OMIM).